The following is an entry in ClinVar:

ClinVar aggregate classification (germline): Uncertain significance (1 of 4 stars; one submission).

Conditions:
Congenital myasthenic syndrome 4A. Also called: Myasthenic syndrome, congenital, 4a, slow-channel; CONGENITAL MYASTHENIC SYNDROME TYPE Ia1; MYASTHENIC SYNDROME, CONGENITAL, 4A, SLOW-CHANNEL, AUTOSOMAL RECESSIVE. Identifiers: Orphanet 590, MedGen C4225413, MONDO:0011600, OMIM 605809.

Submission:

Labcorp Genetics (formerly Invitae), Labcorp
Classification: Uncertain significance for Congenital myasthenic syndrome 4A. Last evaluated: 2021-12-23. Review status: criteria provided, single submitter. Criteria: Invitae Variant Classification Sherloc (09022015). Collection method: clinical testing. Allele origin: germline.
Comment: This sequence change replaces tryptophan, which is neutral and slightly polar, with serine, which is neutral and polar, at codon 405 of the CHRNE protein (p.Trp405Ser). This variant is not present in population databases (gnomAD no frequency). This variant has not been reported in the literature in individuals affected with CHRNE-related conditions. Advanced modeling of protein sequence and biophysical properties (such as structural, functional, and spatial information, amino acid conservation, physicochemical variation, residue mobility, and thermodynamic stability) performed at Invitae indicates that this missense variant is not expected to disrupt CHRNE protein function. In summary, the available evidence is currently insufficient to determine the role of this variant in disease. Therefore, it has been classified as a Variant of Uncertain Significance.

NM_000080.4(CHRNE):c.1214G>C (p.Trp405Ser)

Genes: CHRNE (cholinergic receptor nicotinic epsilon subunit; minus strand), LOC130060040 (ATAC-STARR-seq lymphoblastoid silent region 8049; plus strand). Cytogenetic location: 17p13.2.
Variant type: single nucleotide variant.
Coding change: c.1214G>C on transcript NM_000080.4 (MANE Select); coding-DNA position 1214, G replaced by C.
Protein change: p.Trp405Ser; replaces tryptophan 405 with serine.
Molecular consequence: missense variant.
Genome position (GRCh38, 1-based): chr17:4,899,203, C>G on the plus strand (G>C on the coding strand, the complement: CHRNE is on the minus strand). VCF-style: chr17-4899203-C-G. GRCh37 (hg19) VCF-style: chr17-4802498-C-G.
Other names: short protein forms W405S.
Identifiers: ClinVar variation 2025324 (VCV002025324.4), dbSNP rs2151094398, ClinGen allele CA397299968.